The following is an entry in ClinVar:

NM_001999.4(FBN2):c.18G>T (p.Arg6Ser)

Gene: FBN2 (fibrillin 2; minus strand). Cytogenetic location: 5q23.3.
Variant type: single nucleotide variant.
Coding change: c.18G>T on transcript NM_001999.4 (MANE Select); coding-DNA position 18, G replaced by T.
Protein change: p.Arg6Ser; replaces arginine 6 with serine.
Molecular consequence: missense variant.
Genome position (GRCh38, 1-based): chr5:128,537,586, C>A on the plus strand (G>T on the coding strand, the complement: FBN2 is on the minus strand). VCF-style: chr5-128537586-C-A. GRCh37 (hg19) VCF-style: chr5-127873279-C-A.
Other names: c.18G>T (NM_001999.3); short protein forms R6S.
Identifiers: ClinVar variation 2116917 (VCV002116917.5), dbSNP rs758464000, ClinGen allele CA360763561.

ClinVar aggregate classification (germline): Uncertain significance. Review status: criteria provided, multiple submitters, no conflicts (2 of 4 stars). 2 submissions from 2 submitters: Uncertain significance (2). Last evaluated 2026-08-29.

Conditions:
Familial thoracic aortic aneurysm and aortic dissection (TAAD). Also called: Thoracic aortic aneurysms and dissections. Identifiers: Orphanet 91387, MedGen C4707243, MONDO:0019625.
Congenital contractural arachnodactyly (CCA). Also called: BEALS SYNDROME; Beals-Hecht syndrome; Arthrogryposis, distal, type 9. Identifiers: Orphanet 115, MedGen C0220668, MONDO:0007363, OMIM 121050.

gnomAD v4.1: 1 of 1,607,522 alleles (0.000062%); highest among the groups gnomAD compares: Non-Finnish European, 0.000085%; no homozygotes.

Submissions (2):

Ambry Genetics
Classification: Uncertain significance for Familial thoracic aortic aneurysm and aortic dissection. Last evaluated: 2026-08-29. Review status: criteria provided, single submitter. Criteria: Ambry Variant Classification Scheme 2023. Collection method: clinical testing. Allele origin: germline.
Comment: The p.R6S variant (also known as c.18G>T), located in coding exon 1 of the FBN2 gene, results from a G to T substitution at nucleotide position 18. The arginine at codon 6 is replaced by serine, an amino acid with dissimilar properties. This amino acid position is conserved. In addition, the in silico prediction for this alteration is inconclusive. Based on the available evidence, the clinical significance of this variant remains unclear.

Labcorp Genetics (formerly Invitae), Labcorp
Classification: Uncertain significance for Congenital contractural arachnodactyly. Last evaluated: 2022-03-25. Review status: criteria provided, single submitter. Criteria: Invitae Variant Classification Sherloc (09022015). Collection method: clinical testing. Allele origin: germline.
Comment: In summary, the available evidence is currently insufficient to determine the role of this variant in disease. Therefore, it has been classified as a Variant of Uncertain Significance. Advanced modeling of protein sequence and biophysical properties (such as structural, functional, and spatial information, amino acid conservation, physicochemical variation, residue mobility, and thermodynamic stability) performed at Invitae indicates that this missense variant is not expected to disrupt FBN2 protein function. This variant has not been reported in the literature in individuals affected with FBN2-related conditions. This variant is not present in population databases (gnomAD no frequency). This sequence change replaces arginine, which is basic and polar, with serine, which is neutral and polar, at codon 6 of the FBN2 protein (p.Arg6Ser).